The following is an entry in ClinVar:

NM_001029896.2(WDR45):c.760G>A (p.Ala254Thr)

Gene: WDR45 (WD repeat domain 45; minus strand). Cytogenetic location: Xp11.23.
Variant type: single nucleotide variant.
Coding change: c.760G>A on transcript NM_001029896.2 (MANE Select); coding-DNA position 760, G replaced by A.
Protein change: p.Ala254Thr; replaces alanine 254 with threonine.
Molecular consequence: missense variant.
Genome position (GRCh38, 1-based): chrX:49,075,431, C>T on the plus strand (G>A on the coding strand, the complement: WDR45 is on the minus strand). VCF-style: chrX-49075431-C-T. GRCh37 (hg19) VCF-style: chrX-48933090-C-T.
Other names: c.763G>A, p.Ala255Thr (NM_007075.4); short protein forms A255T, A254T.
Identifiers: ClinVar variation 546333 (VCV000546333.3), dbSNP rs1557083979, ClinGen allele CA412942982.
Genomic context (GRCh38, chrX:49,075,431, plus strand): 5'-GGCGGTTGAGGCGGGTATCCTTGAGAGCAAAGATATGGACAGTACCCTTATCACTGGAAG[C>T]GCAGAGGAAGGAGGAGTCGTGGCTGAAGTTAATGCTAGAAGACAGATCAGCAGTGATGCC-3'
Protein context (NP_001025067.1, residues 244-264): NFSHDSSFLC[Ala254Thr]SSDKGTVHIF

ClinVar aggregate classification (germline): Conflicting classifications of pathogenicity. Review status: criteria provided, conflicting classifications (1 of 4 stars). 2 submissions from 2 submitters: Likely pathogenic (1); Uncertain significance (1). Last evaluated 2025-10-24.

Conditions:
Inborn genetic diseases. Identifiers: MedGen C0950123, MeSH D030342.

Allele frequency attached by ClinVar (database versions not stated): gnomAD exomes 0.00001.
gnomAD v4.1: 7 of 1,209,849 alleles (0.00058%); highest among the groups gnomAD compares: Non-Finnish European, 0.00078%; no homozygotes.

Submissions (2):

Ambry Genetics
Classification: Uncertain significance for Inborn genetic diseases. Last evaluated: 2025-10-24. Review status: criteria provided, single submitter. Criteria: Ambry Variant Classification Scheme 2023. Collection method: clinical testing. Allele origin: germline.

GeneDx
Classification: Likely pathogenic. Last evaluated: 2018-05-24. Review status: criteria provided, single submitter. Criteria: GeneDx Variant Classification (06012015). Collection method: clinical testing. Allele origin: germline. Affected: yes.
Comment: The A255T variant in the WDR45 gene has not been reported previously as a pathogenic variant, nor as a benign variant, to our knowledge. The A255T variant is not observed in large population cohorts (Lek et al., 2016). The A255T variant is a non-conservative amino acid substitution, which is likely to impact secondary protein structure as these residues differ in polarity, charge, size and/or other properties. In-silico analyses, including protein predictors and evolutionary conservation, support that this variant does not alter protein structure/function. We interpret A255T as a likely pathogenic variant.